The following is an entry in ClinVar:

NM_001323289.2(CDKL5):c.528G>T (p.Trp176Cys)

Gene: CDKL5 (cyclin dependent kinase like 5; plus strand). Cytogenetic location: Xp22.13.
Variant type: single nucleotide variant.
Coding change: c.528G>T on transcript NM_001323289.2 (MANE Select); coding-DNA position 528, G replaced by T.
Protein change: p.Trp176Cys; replaces tryptophan 176 with cysteine.
Molecular consequence: missense variant.
Genome position (GRCh38, 1-based): chrX:18,584,327, G>T. VCF-style: chrX-18584327-G-T. GRCh37 (hg19) VCF-style: chrX-18602447-G-T.
Other names: NM_001323289.2(CDKL5):c.528G>T; p.Trp176Cys; c.528G>T, p.Trp176Cys (NM_001037343.2, NM_003159.3); short protein forms W176C.
Identifiers: ClinVar variation 189595 (VCV000189595.14), dbSNP rs786204989, ClinGen allele CA199411.

ClinVar aggregate classification (germline): Pathogenic. Review status: criteria provided, multiple submitters, no conflicts (2 of 4 stars). 3 submissions from 3 submitters: Pathogenic (2). 1 of the submissions does not count toward it. Last evaluated 2024-07-04.

Conditions:
CDKL5 disorder. Identifiers: MedGen CN296942, MONDO:0100039.
Developmental and epileptic encephalopathy, 2 (DEE2). Also called: INFANTILE SPASM SYNDROME, X-LINKED 2; CDKL5 deficiency disorder. Identifiers: Orphanet 1934, Orphanet 3451, Orphanet 505652, MedGen C4750718, MONDO:0010396, OMIM 300672.
Angelman syndrome-like. Identifiers: MedGen CN128785.
Atypical Rett syndrome. Also called: Rett like syndrome; Variant Rett Syndrome. Identifiers: Orphanet 3095, MedGen C2748910, MONDO:0017746.

Submissions (3):

Centre for Population Genomics, CPG
Classification: Pathogenic for CDKL5 disorder. Last evaluated: 2024-07-04. Review status: criteria provided, single submitter. Criteria: McKnight et al. (Hum Mutat. 2022). Collection method: curation. Allele origin: germline. Inheritance: X-linked inheritance.
Comment: This variant has been collected from RettBASE and curated to current modified ACMG/AMP criteria. Based on the classification scheme defined by the ClinGen Rett/Angelman-like Expert Panel for Rett/AS-like Disorders Specifications to the ACMG/AMP Variant Interpretation Guidelines VCEP 3.0, this variant is classified as pathogenic. At least the following criteria are met: This variant is absent from gnomAD v4 (PM2_Supporting). At least one individual with this variant has been reported with a clinical phenotype consistent with CDKL5- related condition (PP4). Computational prediction analysis tools suggests a deleterious impact (REVEL score>= 0.75) (PP3). Has been observed in at least 3 individuals with phenotypes consistent with CDKL5 disorder (PS4_Moderate). PMID: 37490689 PMID: 33436160 ClinVar Variation ID: 189595 This variant has been identified as a de novo occurrence in an individual with CDKL5 disorder without confirmation of paternity and maternity (PM6). PMID: 33436160 >=2 different missense variants in the same codon have been classified as pathogenic (PM5_Strong). Variation ID: 189594 PMID: 23064044 PMID: 29655203

Labcorp Genetics (formerly Invitae), Labcorp
Classification: Pathogenic for Developmental and epileptic encephalopathy, 2; Angelman syndrome-like. Last evaluated: 2022-08-16. Review status: criteria provided, single submitter. Criteria: Invitae Variant Classification Sherloc (09022015). Collection method: clinical testing. Allele origin: germline.
Comment: This variant is not present in population databases (gnomAD no frequency). For these reasons, this variant has been classified as Pathogenic. This variant disrupts the p.Trp176 amino acid residue in CDKL5. Other variant(s) that disrupt this residue have been observed in individuals with CDKL5-related conditions (PMID: 23064044), which suggests that this may be a clinically significant amino acid residue. Advanced modeling of protein sequence and biophysical properties (such as structural, functional, and spatial information, amino acid conservation, physicochemical variation, residue mobility, and thermodynamic stability) performed at Invitae indicates that this missense variant is expected to disrupt CDKL5 protein function. ClinVar contains an entry for this variant (Variation ID: 189595). This missense change has been observed in individual(s) with clinical features of CDKL5-related conditions (DOI: 10.3233/PEP-2012-005). In at least one individual the variant was observed to be de novo. This sequence change replaces tryptophan, which is neutral and slightly polar, with cysteine, which is neutral and slightly polar, at codon 176 of the CDKL5 protein (p.Trp176Cys).

RettBASE
Classification: Pathogenic for Atypical Rett syndrome. Last evaluated: 2014-05-15. Review status: no assertion criteria provided. Collection method: curation. Allele origin: de novo. Affected: yes. Observed: 1 variant allele. Not counted in ClinVar's aggregate classification.
Comment: De novo mutation near phosphorylation site; In silico prediction: SIFT = deleterious, MutationTaster = disease-causing, PolyPhen2 = probably damaging, AlignGVGD = benign (C0)

Literature cited by the submitters: PubMed 23064044 (cited by Labcorp Genetics (formerly Invitae), Labcorp).